The following is an entry in ClinVar:

ClinVar aggregate classification (germline): Likely pathogenic. Review status: criteria provided, single submitter (1 of 4 stars). 2 submissions from 2 submitters: Likely pathogenic (1). 1 of the submissions does not count toward it. Last evaluated 2024-10-17.

Conditions:
Bardet-Biedl syndrome (BBS). Identifiers: Orphanet 110, MedGen C0752166, MONDO:0015229.
Bardet-Biedl syndrome 9 (BBS9). Identifiers: Orphanet 110, MedGen C1859567, MONDO:0014437, OMIM 615986.

Submissions (2):

Women's Health and Genetics/Laboratory Corporation of America, LabCorp
Classification: Likely pathogenic for Bardet-Biedl syndrome. Last evaluated: 2024-10-17. Review status: criteria provided, single submitter. Criteria: LabCorp Variant Classification Summary - May 2015. Collection method: clinical testing. Allele origin: germline.
Comment: Variant summary: BBS9 c.421G>A (p.Gly141Arg) results in a non-conservative amino acid change located in the PTHB1, N-terminal domain (IPR028073) of the encoded protein sequence. Five of five in-silico tools predict a damaging effect of the variant on protein function. The variant was absent in 251308 control chromosomes. c.421G>A has been reported in the literature in homozygous individuals affected with Bardet-Biedl Syndrome (Nishimura_2005). These data indicate that the variant is likely to be associated with disease. At least one publication reports experimental evidence evaluating an impact on protein function. Using zebrafish as a model, p.Gly141Arg was unable to rescue the bbs9 morphant phenotype (Veleri_2012). The following publications have been ascertained in the context of this evaluation (PMID: 26085087, 16380913, 22479622, 20498079). ClinVar contains an entry for this variant (Variation ID: 2659). Based on the evidence outlined above, the variant was classified as likely pathogenic.

OMIM
Classification: Pathogenic for BARDET-BIEDL SYNDROME 9. Last evaluated: 2005-12-01. Review status: no assertion criteria provided. Collection method: literature only. Allele origin: germline. Not counted in ClinVar's aggregate classification.

Literature cited by the submitters: PubMed 20498079 (cited by Women's Health and Genetics/Laboratory Corporation of America, LabCorp); PubMed 16380913 (cited by Women's Health and Genetics/Laboratory Corporation of America, LabCorp and OMIM); PubMed 26085087 (cited by Women's Health and Genetics/Laboratory Corporation of America, LabCorp); PubMed 22479622 (cited by Women's Health and Genetics/Laboratory Corporation of America, LabCorp).

NM_198428.3(BBS9):c.421G>A (p.Gly141Arg)

Gene: BBS9 (Bardet-Biedl syndrome 9; plus strand). Cytogenetic location: 7p14.3.
Variant type: single nucleotide variant.
Coding change: c.421G>A on transcript NM_198428.3 (MANE Select); coding-DNA position 421, G replaced by A.
Protein change: p.Gly141Arg; replaces glycine 141 with arginine.
Molecular consequence: missense variant. On other transcripts: non-coding transcript variant (3).
Genome position (GRCh38, 1-based): chr7:33,177,570, G>A. VCF-style: chr7-33177570-G-A. GRCh37 (hg19) VCF-style: chr7-33217182-G-A.
Other names: c.421G>A, p.Gly141Arg (NM_001033604.2, NM_001033605.2, NM_001348036.1 and 5 more transcripts); c.55G>A, p.Gly19Arg (NM_001348037.3, NM_001348044.3, NM_001348045.3 and 1 more transcripts); c.148G>A, p.Gly50Arg (NM_001348038.3, NM_001348039.3); c.286G>A, p.Gly96Arg (NM_001348042.3); short protein forms G141R, G50R, G19R, G96R.
Identifiers: ClinVar variation 2659 (VCV000002659.2), dbSNP rs137852857, ClinGen allele CA252387.
Genomic context (GRCh38, chr7:33,177,570, plus strand): 5'-TGTCAGATGAAATTGATGTATGAACATAATCTTCAGAGAACAGCCTGCAATATGACCTAT[G>A]GATCATTTGGTGGTGTAAAAGGTAATTTGCTTTTAATCATGAGTATGCTATTTCAAGTGA-3'
Protein context (NP_940820.1, residues 131-151): LQRTACNMTY[Gly141Arg]SFGGVKGRDL